The following is an entry in ClinVar:

ClinVar aggregate classification (germline): Uncertain significance. Review status: criteria provided, single submitter (1 of 4 stars). 2 submissions from 2 submitters: Uncertain significance (1). 1 of the submissions does not count toward it. Last evaluated 2024-11-22.

Conditions:
SCAPER-related disorder. Also called: SCAPER-related condition.
Retinal dystrophy. Also called: Inherited retinal dystrophy. Identifiers: Orphanet 71862, MedGen C0854723, MeSH D058499, MONDO:0019118, HP:0000556.

gnomAD v4.1: 11 of 1,613,774 alleles (0.00068%); highest among the groups gnomAD compares: Middle Eastern, 0.033%; no homozygotes.

Submissions (2):

PreventionGenetics, part of Exact Sciences
Classification: Uncertain significance for SCAPER-related condition. Last evaluated: 2024-11-22. Review status: criteria provided, single submitter. Criteria: ACMG Guidelines, 2015. Collection method: clinical testing. Allele origin: germline.
Comment: The SCAPER c.820A>G variant is predicted to result in the amino acid substitution p.Ile274Val. To our knowledge, this variant has not been reported in the literature. This variant is reported in 0.012% of alleles in individuals of African descent in gnomAD. At this time, the clinical significance of this variant is uncertain due to the absence of conclusive functional and genetic evidence.

Institute of Human Genetics, Univ. Regensburg, Univ. Regensburg
Classification: Uncertain significance for Retinal dystrophy. Last evaluated: 2022-01-01. Review status: no assertion criteria provided. Criteria: ACMG Guidelines, 2015. Collection method: clinical testing. Allele origin: germline. Affected: yes. Not counted in ClinVar's aggregate classification.

NM_020843.4(SCAPER):c.820A>G (p.Ile274Val)

Gene: SCAPER (S-phase cyclin A associated protein in the ER; minus strand). Cytogenetic location: 15q24.3.
Variant type: single nucleotide variant.
Coding change: c.820A>G on transcript NM_020843.4 (MANE Select); coding-DNA position 820, A replaced by G.
Protein change: p.Ile274Val; replaces isoleucine 274 with valine.
Molecular consequence: missense variant. On other transcripts: non-coding transcript variant (1).
Genome position (GRCh38, 1-based): chr15:76,775,070, T>C on the plus strand (A>G on the coding strand, the complement: SCAPER is on the minus strand). VCF-style: chr15-76775070-T-C. GRCh37 (hg19) VCF-style: chr15-77067411-T-C.
Other names: c.82A>G, p.Ile28Val (NM_001145923.2); c.820A>G, p.Ile274Val (NM_001353009.2); c.418A>G, p.Ile140Val (NM_001353010.2, NM_001353011.2, NM_001353012.2); c.820A>G (NM_001353009.1); short protein forms I140V, I274V, I28V.
Identifiers: ClinVar variation 3249297 (VCV003249297.2).